The following is an entry in ClinVar:

ClinVar aggregate classification (germline): Uncertain significance (1 of 4 stars; one submission).

Conditions:
Brachyolmia-amelogenesis imperfecta syndrome. Also called: PLATYSPONDYLY WITH AMELOGENESIS IMPERFECTA; Tooth agenesis, selective, 6; Dental anomalies and short stature. Identifiers: Orphanet 2899, MedGen C1832594, MONDO:0011018, OMIM 601216. Disease mechanism: loss of function.

Submission:

Labcorp Genetics (formerly Invitae), Labcorp
Classification: Uncertain significance for Brachyolmia-amelogenesis imperfecta syndrome. Last evaluated: 2024-11-29. Review status: criteria provided, single submitter. Criteria: Invitae Variant Classification Sherloc (09022015). Collection method: clinical testing. Allele origin: germline.
Comment: This sequence change replaces histidine, which is basic and polar, with glutamine, which is neutral and polar, at codon 642 of the LTBP3 protein (p.His642Gln). This variant is not present in population databases (gnomAD no frequency). This variant has not been reported in the literature in individuals affected with LTBP3-related conditions. An algorithm developed to predict the effect of missense changes on protein structure and function (PolyPhen-2) suggests that this variant is likely to be tolerated. In summary, the available evidence is currently insufficient to determine the role of this variant in disease. Therefore, it has been classified as a Variant of Uncertain Significance.

NM_001130144.3(LTBP3):c.1926C>A (p.His642Gln)

Genes: LTBP3 (latent transforming growth factor beta binding protein 3; minus strand), LOC130006032 (ATAC-STARR-seq lymphoblastoid silent region 3535; plus strand). Cytogenetic location: 11q13.1.
Variant type: single nucleotide variant.
Coding change: c.1926C>A on transcript NM_001130144.3 (MANE Select); coding-DNA position 1926, C replaced by A.
Protein change: p.His642Gln; replaces histidine 642 with glutamine.
Molecular consequence: missense variant.
Genome position (GRCh38, 1-based): chr11:65,547,742, G>T on the plus strand (C>A on the coding strand, the complement: LTBP3 is on the minus strand). VCF-style: chr11-65547742-G-T. GRCh37 (hg19) VCF-style: chr11-65315213-G-T.
Other names: c.1575C>A, p.His525Gln (NM_001164266.1); c.1926C>A, p.His642Gln (NM_021070.4); short protein forms H525Q, H642Q.
Identifiers: ClinVar variation 3723753 (VCV003723753.2).
Genomic context (GRCh38, chr11:65,547,742, plus strand): 5'-GCGCTCACCCACGCACGAGCGCCCCCCGGCGCCCACGTGCAGGCGGTAGCCGCGGTTGCA[G>T]TGGCAATTGTAGGAGCCGCCGGTGTTCATGCAGATGCCCCTCCCCGGGCCACAGGGCTCT-3'
Protein context (NP_001123616.1, residues 632-652): CMNTGGSYNC[His642Gln]CNRGYRLHVG